The following is an entry in ClinVar:

ClinVar aggregate classification (germline): Likely benign (0 of 4 stars; one submission).

Conditions:
C4BPB-related disorder. Also called: C4BPB-related condition.

Allele frequency attached by ClinVar (database versions not stated): gnomAD exomes 0.00018; ExAC 0.00038; gnomAD 0.00100; 1000 Genomes Project 30x 0.00125; ESP Exome Variant Server 0.00131; 1000 Genomes Project 0.00140.
gnomAD v4.1: 416 of 1,613,668 alleles (0.026%); highest among the groups gnomAD compares: African/African-American, 0.3%; 1 homozygote.

Submission:

PreventionGenetics, part of Exact Sciences
Classification: Likely benign for C4BPB-related condition. Last evaluated: 2022-02-18. Review status: no assertion criteria provided. Collection method: clinical testing. Allele origin: germline.
Comment: This variant is classified as likely benign based on ACMG/AMP sequence variant interpretation guidelines (Richards et al. 2015 PMID: 25741868, with internal and published modifications).

NM_001017365.3(C4BPB):c.520G>A (p.Val174Met)

Gene: C4BPB (complement component 4 binding protein beta; plus strand). Cytogenetic location: 1q32.1.
Variant type: single nucleotide variant.
Coding change: c.520G>A on transcript NM_001017365.3 (MANE Select); coding-DNA position 520, G replaced by A.
Protein change: p.Val174Met; replaces valine 174 with methionine.
Molecular consequence: missense variant.
Genome position (GRCh38, 1-based): chr1:207,098,166, G>A. VCF-style: chr1-207098166-G-A. GRCh37 (hg19) VCF-style: chr1-207271511-G-A.
Other names: c.520G>A, p.Val174Met (NM_000716.3, NM_001017367.1); c.517G>A, p.Val173Met (NM_001017364.1, NM_001017366.3); short protein forms V173M, V174M.
Identifiers: ClinVar variation 3051596 (VCV003051596.2), dbSNP rs144498332, ClinGen allele CA1367339.
Genomic context (GRCh38, chr1:207,098,166, plus strand): 5'-TTCAGAAAGTGGAAAAGCTAAGCCTTGTTCTAATTTCTGTTCAGGTACTACTTAGTGGGC[G>A]TGCAGGAGCAGCAATGCGTTGATGGGGAGTGGAGCAGTGCACTTCCAGTCTGCAAGTTGA-3'
Protein context (NP_001017365.1, residues 164-184): YCEDRYYLVG[Val174Met]QEQQCVDGEW